The following is an entry in ClinVar:

NM_001164277.2(SLC37A4):c.709T>G (p.Phe237Val)

Gene: SLC37A4 (solute carrier family 37 member 4; minus strand). Cytogenetic location: 11q23.3.
Variant type: single nucleotide variant.
Coding change: c.709T>G on transcript NM_001164277.2 (MANE Select); coding-DNA position 709, T replaced by G.
Protein change: p.Phe237Val; replaces phenylalanine 237 with valine.
Molecular consequence: missense variant.
Genome position (GRCh38, 1-based): chr11:119,027,012, A>C on the plus strand (T>G on the coding strand, the complement: SLC37A4 is on the minus strand). VCF-style: chr11-119027012-A-C. GRCh37 (hg19) VCF-style: chr11-118897722-A-C.
Other names: c.709T>G, p.Phe237Val (NM_001164278.2, NM_001164280.2, NM_001467.6); c.490T>G, p.Phe164Val (NM_001164279.2); short protein forms F164V, F237V.
Identifiers: ClinVar variation 3677003 (VCV003677003.2).

ClinVar aggregate classification (germline): Uncertain significance (1 of 4 stars; one submission).

Conditions:
Glucose-6-phosphate transport defect (GSD1B). Also called: Glycogen Storage Disease Type Ib; GSD Ib. Identifiers: Orphanet 364, Orphanet 79259, MedGen C0268146, MONDO:0009288, OMIM 232220.

Submission:

Labcorp Genetics (formerly Invitae), Labcorp
Classification: Uncertain significance for Glucose-6-phosphate transport defect. Last evaluated: 2025-05-29. Review status: criteria provided, single submitter. Criteria: Invitae Variant Classification Sherloc (09022015). Collection method: clinical testing. Allele origin: germline.
Comment: This sequence change replaces phenylalanine, which is neutral and non-polar, with valine, which is neutral and non-polar, at codon 237 of the SLC37A4 protein (p.Phe237Val). This variant is not present in population databases (gnomAD no frequency). This variant has not been reported in the literature in individuals affected with SLC37A4-related conditions. ClinVar contains an entry for this variant (Variation ID: 3677003). Invitae Evidence Modeling of protein sequence and biophysical properties (such as structural, functional, and spatial information, amino acid conservation, physicochemical variation, residue mobility, and thermodynamic stability) has been performed for this missense variant. However, the output from this modeling did not meet the statistical confidence thresholds required to predict the impact of this variant on SLC37A4 protein function. In summary, the available evidence is currently insufficient to determine the role of this variant in disease. Therefore, it has been classified as a Variant of Uncertain Significance.